The following is an entry in ClinVar:

ClinVar aggregate classification (germline): Uncertain significance (1 of 4 stars; one submission).

Conditions:
Congenital myasthenic syndrome 4A. Also called: Myasthenic syndrome, congenital, 4a, slow-channel; CONGENITAL MYASTHENIC SYNDROME TYPE Ia1; MYASTHENIC SYNDROME, CONGENITAL, 4A, SLOW-CHANNEL, AUTOSOMAL RECESSIVE. Identifiers: Orphanet 590, MedGen C4225413, MONDO:0011600, OMIM 605809.

Allele frequency attached by ClinVar (database versions not stated): gnomAD exomes 0.00001.
gnomAD v4.1: 7 of 1,595,584 alleles (0.00044%); highest among the groups gnomAD compares: Non-Finnish European, 0.0006%; no homozygotes.

Submission:

Labcorp Genetics (formerly Invitae), Labcorp
Classification: Uncertain significance for Congenital myasthenic syndrome 4A. Last evaluated: 2022-08-31. Review status: criteria provided, single submitter. Criteria: Invitae Variant Classification Sherloc (09022015). Collection method: clinical testing. Allele origin: germline.
Comment: This sequence change replaces phenylalanine, which is neutral and non-polar, with cysteine, which is neutral and slightly polar, at codon 459 of the CHRNE protein (p.Phe459Cys). This variant is present in population databases (rs768717142, gnomAD 0.001%). This variant has not been reported in the literature in individuals affected with CHRNE-related conditions. Advanced modeling of protein sequence and biophysical properties (such as structural, functional, and spatial information, amino acid conservation, physicochemical variation, residue mobility, and thermodynamic stability) performed at Invitae indicates that this missense variant is expected to disrupt CHRNE protein function. In summary, the available evidence is currently insufficient to determine the role of this variant in disease. Therefore, it has been classified as a Variant of Uncertain Significance.

NM_000080.4(CHRNE):c.1376T>G (p.Phe459Cys)

Gene: CHRNE (cholinergic receptor nicotinic epsilon subunit; minus strand). Cytogenetic location: 17p13.2.
Variant type: single nucleotide variant.
Coding change: c.1376T>G on transcript NM_000080.4 (MANE Select); coding-DNA position 1376, T replaced by G.
Protein change: p.Phe459Cys; replaces phenylalanine 459 with cysteine.
Molecular consequence: missense variant.
Genome position (GRCh38, 1-based): chr17:4,898,842, A>C on the plus strand (T>G on the coding strand, the complement: CHRNE is on the minus strand). VCF-style: chr17-4898842-A-C. GRCh37 (hg19) VCF-style: chr17-4802137-A-C.
Other names: short protein forms F459C.
Identifiers: ClinVar variation 1967156 (VCV001967156.2), dbSNP rs768717142, ClinGen allele CA8313838.